The following is an entry in ClinVar:

ClinVar aggregate classification (germline): Uncertain significance (1 of 4 stars; one submission).

Submission:

Dasa
Classification: Uncertain significance. Last evaluated: 2026-07-28. Review status: criteria provided, single submitter. Criteria: DASA Assertion Criteria. Collection method: clinical testing. Allele origin: germline.
Comment: NM_181552.4(CUX1):c.4507T>C (p.Trp1503Arg) is a missense variant that results in the substitution of tryptophan with arginine. This variant is rare in population databases. Computational prediction algorithms are consistent with a deleterious effect. The currently available literature and clinical evidence are not sufficient to establish a definitive association between this variant and the reported condition. Therefore, this variant is classified as a variant of uncertain significance.

NM_181552.4(CUX1):c.4507T>C (p.Trp1503Arg)

Gene: CUX1 (cut like homeobox 1; plus strand). Cytogenetic location: 7q22.1.
Variant type: single nucleotide variant.
Coding change: c.4507T>C on transcript NM_181552.4 (MANE Select); coding-DNA position 4507, T replaced by C.
Protein change: p.Trp1503Arg; replaces tryptophan 1503 with arginine.
Molecular consequence: missense variant. On other transcripts: intron variant (5).
Genome position (GRCh38, 1-based): chr7:102,249,031, T>C. VCF-style: chr7-102249031-T-C. GRCh37 (hg19) VCF-style: chr7-101892311-T-C.
Other names: c.4540T>C, p.Trp1514Arg (NM_001202543.2); c.1256-24335T>C (NM_001913.5); c.1250-24335T>C (NM_181500.4); c.1118-24335T>C (NM_001202545.3); c.1208-24335T>C (NM_001202544.3); c.1139-24335T>C (NM_001202546.3); short protein forms W1503R, W1514R.
Identifiers: ClinVar variation 5020116 (VCV005020116.1).